The following continues an entry in ClinVar:

NM_138694.4(PKHD1):c.107C>T (p.Thr36Met)

Gene: PKHD1. ClinVar aggregate classification (germline): Pathogenic/Likely pathogenic. Pathogenic (44); Likely pathogenic (3).

Submissions 50 to 61 of 61:

Yale Center for Mendelian Genomics, Yale University
Classification: Pathogenic for Polycystic kidney disease 4. Last evaluated: 2019-02-14. Review status: no assertion criteria provided. Collection method: literature only. Allele origin: germline. Affected: yes. Observed: 1 compound heterozygote. Study: Yale Center for Mendelian Genomics. Not counted in ClinVar's aggregate classification.

Sydney Genome Diagnostics, Children's Hospital Westmead
Classification: Pathogenic for Autosomal recessive polycystic kidney disease. Last evaluated: 2018-11-23. Review status: no assertion criteria provided. Collection method: clinical testing. Allele origin: unknown. Affected: yes. Observed: 1 variant allele, 1 compound heterozygote. Not counted in ClinVar's aggregate classification.
Comment: This variant has been reported in the gnomAD browser with an allele frequency of 0.05% (144 out of 282,706 alleles). This variant, either observed as homozygous or compound heterozygous with another pathogenic variant, has been previously reported in patients with autosomal recessive polycystic kidney disease (ARPKD; Bergmann et al 2005 Kid Int 67: 829-848, Bergmann et al 2003 J Am Soc Nephrol 13: 76-89, Obeidova et al 2015 BMC Med Genet 16:116). This variant accounts for approximately 15% of alleles in ARPKD patient of European ancestry. This variant is considered to pathogenic according to the ACMG guidelines (Evidence used: PM3_very strong, PP3, PP5).

Yale Center for Mendelian Genomics, Yale University
Classification: Likely pathogenic for Autosomal dominant polycystic liver disease. Last evaluated: 2017-04-04. Review status: no assertion criteria provided. Collection method: literature only. Allele origin: germline. Affected: yes. Observed: 1 heterozygote. Not counted in ClinVar's aggregate classification.

OMIM
Classification: Pathogenic for POLYCYSTIC KIDNEY DISEASE 4. Last evaluated: 2011-03-01. Review status: no assertion criteria provided. Collection method: literature only. Allele origin: germline. Not counted in ClinVar's aggregate classification.

OMIM
Classification: protective for COLORECTAL CANCER, PROTECTION AGAINST. Last evaluated: 2011-03-01. Review status: no assertion criteria provided. Collection method: literature only. Allele origin: germline. Not counted in ClinVar's aggregate classification.

Department of Pathology and Laboratory Medicine, Sinai Health System
Classification: Pathogenic for Polycystic Kidney disease. Review status: no assertion criteria provided. Collection method: clinical testing. Allele origin: unknown. Affected: yes. Study: The Canadian Open Genetics Repository (COGR). Not counted in ClinVar's aggregate classification.
Comment: The PKHD1 p.Thr36Met variant was identified in 119 of 1331 proband chromosomes (frequency: 0.0939) from individuals or families with autosomal recessive hereditary polycystic kidney disease (ARPKD) (Adeva 2006, Bergmann 2003, Bergmann 2004a, Bergmann 2004b, Bergmann 2005, Denamur 2010, Furu 2004 , Gunay-Aygun 2010, Losekoot 2005, Rosetti 2003, Sharp 2005). The variant was also identified in dbSNP (ID: rs137852944) as â€šÃ„Ãºwith pathogenic alleleâ€šÃ„Ã¹, in ClinVar (as pathogenic by Emory Genetics, Center for Pediatric Genomic Medicine, Centre for Medelian Genomics and OMIM), LOVD 3.0, RWTH AAachen University ARPKD database (probably pathogenic). The variant was identified in control databases in 142 of 277030 chromosomes at a frequency of 0.000513 (Genome Aggregation Consortium Feb 27, 2017). The p.Thr36Met variant has been described in various PKHD1 mutation studies to date and accounts for approximately 20% of pathogenic alleles in PKHD1 (Bergmann, 2005). The variant may represent a founder effect in the Central European population where it is particularly frequent (Bergmann, 2005). However, there is compelling evidence that p.Thr36Met constitutes a mutational â€šÃ„Ãºhotspot,â€šÃ„Ã¹ most likely due to methylation induced deamination of the mutagenic CpG dinucleotide (Bergmann 2005). Study subjects with the p.Thr36Met variant are ethnically diverse and represent the full spectrum of clinical presentations for ARPKD (Sharp 2005). Additionally, Ward et al (2011) estimated that the carrier rate for PKHD1 pathogenic variants in the European population is 3.2% and p.Thr36Met was responsible for 13.1% of mutations (Ward 2011). The p.Thr36Met amino acid substitution represents a potential alternative initiation codon that is actually predicted to be stronger than the native start codon (Furu 2004). If the alternative start site were used exclusively in vivo, then the translation product would lack the leader sequence required for proper folding and p.Thr36Met may indeed behave like a complete loss of function allele akin to the chain-terminating mutations (Furu 2004). The p.Thr36Met residue is conserved across mammals and other organisms however computational analyses (PolyPhen-2, SIFT, AlignGVGD, BLOSUM, MutationTaster) do not suggest a high likelihood of impact to the protein; this information is not predictive enough to rule out pathogenicity. The variant occurs outside of the splicing consensus sequence and in silico or computational prediction software programs (SpliceSiteFinder, MaxEntScan, NNSPLICE, GeneSplicer, HumanSpliceFinder) do not predict a difference in splicing. In summary, based on the above information this variant meets our laboratoryâ€šÃ„Ã´s criteria to be classified as pathogenic.

Diagnostic Laboratory, Department of Genetics, University Medical Center Groningen
Classification: Pathogenic. Review status: no assertion criteria provided. Collection method: clinical testing. Allele origin: germline. Affected: yes. Study: VKGL Data-share Consensus. Not counted in ClinVar's aggregate classification.

Genome Diagnostics Laboratory, Amsterdam University Medical Center
Classification: Pathogenic. Review status: no assertion criteria provided. Collection method: clinical testing. Allele origin: germline. Affected: yes. Study: VKGL Data-share Consensus. Not counted in ClinVar's aggregate classification.

Genome Diagnostics Laboratory, University Medical Center Utrecht
Classification: Pathogenic. Review status: no assertion criteria provided. Collection method: clinical testing. Allele origin: germline. Affected: yes. Study: VKGL Data-share Consensus. Not counted in ClinVar's aggregate classification.

Joint Genome Diagnostic Labs from Nijmegen and Maastricht, Radboudumc and MUMC+
Classification: Likely pathogenic. Review status: no assertion criteria provided. Collection method: clinical testing. Allele origin: germline. Affected: yes. Study: VKGL Data-share Consensus. Not counted in ClinVar's aggregate classification.

Laboratory of Diagnostic Genome Analysis, Leiden University Medical Center (LUMC)
Classification: Pathogenic. Review status: no assertion criteria provided. Collection method: clinical testing. Allele origin: germline. Affected: yes. Study: VKGL Data-share Consensus. Not counted in ClinVar's aggregate classification.

Fulgent Genetics
Classification: Pathogenic for Polycystic kidney disease 4. Last evaluated: 2021-06-30. Review status: flagged submission. Criteria: ACMG Guidelines, 2015. Collection method: clinical testing. Allele origin: unknown. Not counted in ClinVar's aggregate classification.
Comment: This variant has been detected in individual(s) who were sent for testing of Renasight - kidney gene panel.
ClinVar note: Reason: This record appears to be redundant with a more recent record from the same submitter.
ClinVar note: Notes: SCV001752523 appears to be redundant with SCV000894387.

Literature cited by the submitters: PubMed 36691356 (cited by Victorian Clinical Genetics Services, Murdoch Childrens Research Institute); PubMed 21945273 (cited by Victorian Clinical Genetics Services, Murdoch Childrens Research Institute); PubMed 32799815 (cited by Victorian Clinical Genetics Services, Murdoch Childrens Research Institute and Rare Kidney Stone Consortium and the Mayo Clinic Hyperoxaluria Center, Mayo Clinic); PubMed 27225849 (cited by Victorian Clinical Genetics Services, Murdoch Childrens Research Institute); PubMed 20301501 (cited by Victorian Clinical Genetics Services, Murdoch Childrens Research Institute); PubMed 11898128 (cited by 5 submitters); PubMed 11919560 (cited by 7 submitters); PubMed 12506140 (cited by 9 submitters); PubMed 12846734 (cited by 3 submitters); PubMed 15108281 (cited by 4 submitters); PubMed 16199545 (cited by 3 submitters); PubMed 21274727 (cited by 7 submitters); PubMed 12874454 (cited by Ambry Genetics and Illumina Laboratory Services, Illumina); PubMed 20413436 (cited by 5 submitters); PubMed 26695994 (cited by Ambry Genetics and Illumina Laboratory Services, Illumina); PubMed 32574212 (cited by Ambry Genetics and Rare Kidney Stone Consortium and the Mayo Clinic Hyperoxaluria Center, Mayo Clinic); PubMed 15698423 (cited by Rare Kidney Stone Consortium and the Mayo Clinic Hyperoxaluria Center, Mayo Clinic); PubMed 28375157 (cited by Rare Kidney Stone Consortium and the Mayo Clinic Hyperoxaluria Center, Mayo Clinic and Yale Center for Mendelian Genomics, Yale University); PubMed 30650191 (cited by Rare Kidney Stone Consortium and the Mayo Clinic Hyperoxaluria Center, Mayo Clinic); PubMed 30773290 (cited by Rare Kidney Stone Consortium and the Mayo Clinic Hyperoxaluria Center, Mayo Clinic and Yale Center for Mendelian Genomics, Yale University); PubMed 31589614 (cited by Rare Kidney Stone Consortium and the Mayo Clinic Hyperoxaluria Center, Mayo Clinic); PubMed 31844813 (cited by Rare Kidney Stone Consortium and the Mayo Clinic Hyperoxaluria Center, Mayo Clinic); PubMed 31980526 (cited by Rare Kidney Stone Consortium and the Mayo Clinic Hyperoxaluria Center, Mayo Clinic); PubMed 32359821 (cited by Rare Kidney Stone Consortium and the Mayo Clinic Hyperoxaluria Center, Mayo Clinic); PubMed 32939031 (cited by Rare Kidney Stone Consortium and the Mayo Clinic Hyperoxaluria Center, Mayo Clinic); PubMed 33258288 (cited by Rare Kidney Stone Consortium and the Mayo Clinic Hyperoxaluria Center, Mayo Clinic); PubMed 33437033 (cited by Rare Kidney Stone Consortium and the Mayo Clinic Hyperoxaluria Center, Mayo Clinic); PubMed 33532864 (cited by Rare Kidney Stone Consortium and the Mayo Clinic Hyperoxaluria Center, Mayo Clinic and Molecular Biology Laboratory, Fundació Puigvert); PubMed 34426522 (cited by Rare Kidney Stone Consortium and the Mayo Clinic Hyperoxaluria Center, Mayo Clinic); PubMed 35314707 (cited by Rare Kidney Stone Consortium and the Mayo Clinic Hyperoxaluria Center, Mayo Clinic); PubMed 35587316 (cited by Rare Kidney Stone Consortium and the Mayo Clinic Hyperoxaluria Center, Mayo Clinic); PubMed 35627109 (cited by Rare Kidney Stone Consortium and the Mayo Clinic Hyperoxaluria Center, Mayo Clinic); PubMed 35812281 (cited by Rare Kidney Stone Consortium and the Mayo Clinic Hyperoxaluria Center, Mayo Clinic); PubMed 36307859 (cited by Rare Kidney Stone Consortium and the Mayo Clinic Hyperoxaluria Center, Mayo Clinic); PubMed 36703223 (cited by Rare Kidney Stone Consortium and the Mayo Clinic Hyperoxaluria Center, Mayo Clinic); PubMed 36938085 (cited by Rare Kidney Stone Consortium and the Mayo Clinic Hyperoxaluria Center, Mayo Clinic); PubMed 37095353 (cited by Rare Kidney Stone Consortium and the Mayo Clinic Hyperoxaluria Center, Mayo Clinic); PubMed 37780053 (cited by Rare Kidney Stone Consortium and the Mayo Clinic Hyperoxaluria Center, Mayo Clinic); PubMed 38211685 (cited by Rare Kidney Stone Consortium and the Mayo Clinic Hyperoxaluria Center, Mayo Clinic); PubMed 38861662 (cited by Rare Kidney Stone Consortium and the Mayo Clinic Hyperoxaluria Center, Mayo Clinic); PubMed 38868576 (cited by Rare Kidney Stone Consortium and the Mayo Clinic Hyperoxaluria Center, Mayo Clinic); PubMed 40794449 (cited by Rare Kidney Stone Consortium and the Mayo Clinic Hyperoxaluria Center, Mayo Clinic); PubMed 19914852 (cited by Mayo Clinic Laboratories, Mayo Clinic and Myriad Genetics, Inc.); PubMed 15706593 (cited by Mayo Clinic Laboratories, Mayo Clinic); PubMed 16133180 (cited by Myriad Genetics, Inc.); PubMed 25124979 (cited by Illumina Laboratory Services, Illumina); PubMed 15805161 (cited by Illumina Laboratory Services, Illumina); PubMed 15696446 (cited by Illumina Laboratory Services, Illumina); PubMed 15108277 (cited by Illumina Laboratory Services, Illumina).